The following is an entry in ClinVar:

NM_004526.4(MCM2):c.411T>C (p.Tyr137=)

Gene: MCM2 (minichromosome maintenance complex component 2; plus strand). Cytogenetic location: 3q21.3.
Variant type: single nucleotide variant.
Coding change: c.411T>C on transcript NM_004526.4 (MANE Select); coding-DNA position 411, T replaced by C.
Protein change: p.Tyr137=; no amino-acid change (tyrosine 137 retained).
Molecular consequence: synonymous variant. On other transcripts: non-coding transcript variant (1).
Genome position (GRCh38, 1-based): chr3:127,604,782, T>C. VCF-style: chr3-127604782-T-C. GRCh37 (hg19) VCF-style: chr3-127323625-T-C.
Identifiers: ClinVar variation 2035466 (VCV002035466.4), dbSNP rs2473276061, ClinGen allele CA435761037.
Genomic context (GRCh38, chr3:127,604,782, plus strand): 5'-GCGGCAGCGTGACCGGGAGGCTGGCCGGGGCCTGGGCCGCATGCGCCGTGGGCTCCTGTA[T>C]GGTAGGTCCAGTTGTCTGCCTGCCCGAGGGACTGGGAAGCTGGGAAGGAGTCTGGGAGGG-3'
Protein context (NP_004517.2, residues 127-147): GLGRMRRGLL[Tyr137=]DSDEEDEERP

ClinVar aggregate classification (germline): Uncertain significance (1 of 4 stars; one submission).

Submission:

Labcorp Genetics (formerly Invitae), Labcorp
Classification: Uncertain significance. Last evaluated: 2024-02-23. Review status: criteria provided, single submitter. Criteria: Invitae Variant Classification Sherloc (09022015). Collection method: clinical testing. Allele origin: germline.
Comment: This sequence change affects codon 137 of the MCM2 mRNA. It is a 'silent' change, meaning that it does not change the encoded amino acid sequence of the MCM2 protein. It affects a nucleotide within the consensus splice site. This variant is not present in population databases (gnomAD no frequency). This variant has not been reported in the literature in individuals affected with MCM2-related conditions. ClinVar contains an entry for this variant (Variation ID: 2035466). Algorithms developed to predict the effect of sequence changes on RNA splicing suggest that this variant is not likely to affect RNA splicing. In summary, the available evidence is currently insufficient to determine the role of this variant in disease. Therefore, it has been classified as a Variant of Uncertain Significance.